The following is an entry in ClinVar:

ClinVar aggregate classification (germline): Uncertain significance (1 of 4 stars; one submission).

Conditions:
Ataxia-telangiectasia syndrome (AT). Also called: Ataxia-telangiectasia, complementation group E; Ataxia-telangiectasia; Ataxia telangiectasia (A-T); Cerebello-oculocutaneous telangiectasia; Immunodeficiency with ataxia telangiectasia; LOUIS-BAR SYNDROME. Identifiers: Orphanet 100, MedGen C0004135, MONDO:0008840, OMIM 208900.

Submission:

Labcorp Genetics (formerly Invitae), Labcorp
Classification: Uncertain significance for Ataxia-telangiectasia syndrome. Last evaluated: 2021-12-27. Review status: criteria provided, single submitter. Criteria: Invitae Variant Classification Sherloc (09022015). Collection method: clinical testing. Allele origin: germline.
Comment: In summary, the available evidence is currently insufficient to determine the role of this variant in disease. Therefore, it has been classified as a Variant of Uncertain Significance. Advanced modeling of protein sequence and biophysical properties (such as structural, functional, and spatial information, amino acid conservation, physicochemical variation, residue mobility, and thermodynamic stability) performed at Invitae indicates that this missense variant is not expected to disrupt ATM protein function. This variant has not been reported in the literature in individuals affected with ATM-related conditions. This variant is not present in population databases (gnomAD no frequency). This sequence change replaces proline, which is neutral and non-polar, with glutamine, which is neutral and polar, at codon 1257 of the ATM protein (p.Pro1257Gln).

NM_000051.4(ATM):c.3770C>A (p.Pro1257Gln)

Gene: ATM (ATM serine/threonine kinase; plus strand). Cytogenetic location: 11q22.3.
Variant type: single nucleotide variant.
Coding change: c.3770C>A on transcript NM_000051.4 (MANE Select); coding-DNA position 3770, C replaced by A.
Protein change: p.Pro1257Gln; replaces proline 1257 with glutamine.
Molecular consequence: missense variant.
Genome position (GRCh38, 1-based): chr11:108,284,250, C>A. VCF-style: chr11-108284250-C-A. GRCh37 (hg19) VCF-style: chr11-108154977-C-A.
Other names: c.3770C>A, p.Pro1257Gln (NM_001351834.2); short protein forms P1257Q.
Identifiers: ClinVar variation 2061670 (VCV002061670.4), dbSNP rs758405529, ClinGen allele CA382524407.
Genomic context (GRCh38, chr11:108,284,250, plus strand): 5'-TATATATAACCTGTATTTTAAATTTTTCTATTTTTAGATCTTGTTATAAGGTTTTGATTC[C>A]ACATCTGGTGATTAGAAGTCATTTTGATGAGGTGAAGTCCATTGCTAATCAGATTCAAGA-3'
Protein context (NP_000042.3, residues 1247-1267): FYRSCYKVLI[Pro1257Gln]HLVIRSHFDE